The following is an entry in ClinVar:

ClinVar aggregate classification (germline): Likely benign (0 of 4 stars; one submission).

Conditions:
CCDC169-SOHLH2-related disorder. Also called: CCDC169-SOHLH2-related condition.

Allele frequency attached by ClinVar (database versions not stated): ExAC 0.00084; TOPMed 0.00084; gnomAD 0.00094; 1000 Genomes Project 0.00100; ESP Exome Variant Server 0.00115; 1000 Genomes Project 30x 0.00125.
gnomAD v4.1: 2,217 of 1,614,234 alleles (0.14%); highest among the groups gnomAD compares: Non-Finnish European, 0.17%; 2 homozygotes.

Submission:

PreventionGenetics, part of Exact Sciences
Classification: Likely benign for CCDC169-SOHLH2-related condition. Last evaluated: 2022-04-05. Review status: no assertion criteria provided. Collection method: clinical testing. Allele origin: germline.
Comment: This variant is classified as likely benign based on ACMG/AMP sequence variant interpretation guidelines (Richards et al. 2015 PMID: 25741868, with internal and published modifications).

NM_001198910.2(CCDC169-SOHLH2):c.335C>T (p.Thr112Ile)

Genes: CCDC169-SOHLH2 (CCDC169-SOHLH2 readthrough; minus strand), SOHLH2 (spermatogenesis and oogenesis specific basic helix-loop-helix 2; minus strand). Cytogenetic location: 13q13.3.
Variant type: single nucleotide variant.
Coding change: c.335C>T on transcript NM_001198910.2; coding-DNA position 335, C replaced by T.
Protein change: p.Thr112Ile; replaces threonine 112 with isoleucine.
Molecular consequence: missense variant.
Genome position (GRCh38, 1-based): chr13:36,202,038, G>A on the plus strand (C>T on the coding strand, the complement: CCDC169-SOHLH2 is on the minus strand). VCF-style: chr13-36202038-G-A. GRCh37 (hg19) VCF-style: chr13-36776175-G-A.
Other names: c.104C>T, p.Thr35Ile (NM_001282147.2, NM_017826.3); short protein forms T112I, T35I.
Identifiers: ClinVar variation 3037787 (VCV003037787.2), dbSNP rs117864155, ClinGen allele CA6949033.
Genomic context (GRCh38, chr13:36,202,038, plus strand): 5'-TCCTTCGTGTCACTGATGGTGATGGTGACTTCTGCTATGTTTGCAAATAGTTTCTGTACA[G>A]TATCAGCCAGGTAGCCCACAGTGACATCTCCAACTAATAAGATGTCTATTTTTGCCTGAA-3'